The following is an entry in ClinVar:

NM_003334.4(UBA1):c.683A>G (p.Asn228Ser)

Gene: UBA1 (ubiquitin like modifier activating enzyme 1; plus strand). Cytogenetic location: Xp11.3.
Variant type: single nucleotide variant.
Coding change: c.683A>G on transcript NM_003334.4 (MANE Select); coding-DNA position 683, A replaced by G.
Protein change: p.Asn228Ser; replaces asparagine 228 with serine.
Molecular consequence: missense variant.
Genome position (GRCh38, 1-based): chrX:47,201,482, A>G. VCF-style: chrX-47201482-A-G. GRCh37 (hg19) VCF-style: chrX-47060881-A-G.
Other names: c.683A>G, p.Asn228Ser (NM_153280.3); short protein forms N228S.
Identifiers: ClinVar variation 945228 (VCV000945228.11), dbSNP rs1936415717, ClinGen allele CA412793136.

ClinVar aggregate classification (germline): Uncertain significance. Review status: criteria provided, multiple submitters, no conflicts (2 of 4 stars). 2 submissions from 2 submitters: Uncertain significance (2). Last evaluated 2019-10-28.

Conditions:
Infantile-onset X-linked spinal muscular atrophy. Also called: AMC, DISTAL, X-LINKED; ARTHROGRYPOSIS, X-LINKED, TYPE I; SPINAL MUSCULAR ATROPHY, X-LINKED LETHAL INFANTILE; Spinal Muscular Atrophy, X-Linked Infantile; Spinal muscular atrophy, X-linked 2. Identifiers: Orphanet 1145, MedGen C1844934, MONDO:0010532, OMIM 301830.
Inborn genetic diseases. Identifiers: MedGen C0950123, MeSH D030342.

Allele frequency attached by ClinVar (database versions not stated): gnomAD exomes below 0.00001; TOPMed below 0.00001.
gnomAD v4.1: 1 of 1,211,221 alleles (0.000083%); highest among the groups gnomAD compares: African/African-American, 0.0017%; no homozygotes.

Submissions (2):

Ambry Genetics
Classification: Uncertain significance for Inborn genetic diseases. Last evaluated: 2019-10-28. Review status: criteria provided, single submitter. Criteria: Ambry Variant Classification Scheme 2023. Collection method: clinical testing. Allele origin: germline.
Comment: The p.N228S variant (also known as c.683A>G), located in coding exon 7 of the UBA1 gene, results from an A to G substitution at nucleotide position 683. The asparagine at codon 228 is replaced by serine, an amino acid with highly similar properties. This amino acid position is poorly conserved in available vertebrate species. In addition, this alteration is predicted to be tolerated by in silico analysis. Since supporting evidence is limited at this time, the clinical significance of this alteration remains unclear.

Labcorp Genetics (formerly Invitae), Labcorp
Classification: Uncertain significance for Infantile-onset X-linked spinal muscular atrophy. Last evaluated: 2019-06-17. Review status: criteria provided, single submitter. Criteria: Invitae Variant Classification Sherloc (09022015). Collection method: clinical testing. Allele origin: germline.
Comment: In summary, the available evidence is currently insufficient to determine the role of this variant in disease. Therefore, it has been classified as a Variant of Uncertain Significance. Algorithms developed to predict the effect of sequence changes on RNA splicing suggest that this variant may create or strengthen a splice site, but this prediction has not been confirmed by published transcriptional studies. Algorithms developed to predict the effect of missense changes on protein structure and function output the following: SIFT: "Tolerated"; PolyPhen-2: "Benign"; Align-GVGD: "Class C0". The serine amino acid residue is found in multiple mammalian species, suggesting that this missense change does not adversely affect protein function. These predictions have not been confirmed by published functional studies and their clinical significance is uncertain. This variant has not been reported in the literature in individuals with UBA1-related conditions. This variant is not present in population databases (ExAC no frequency). This sequence change replaces asparagine with serine at codon 228 of the UBA1 protein (p.Asn228Ser). The asparagine residue is moderately conserved and there is a small physicochemical difference between asparagine and serine.